The following is an entry in ClinVar:

ClinVar aggregate classification (germline): Benign. Review status: criteria provided, multiple submitters, no conflicts (2 of 4 stars). 2 submissions from 2 submitters: Benign (2). Last evaluated 2018-01-13.

Conditions:
Occult macular dystrophy (OCMD). Also called: OMD; OCCULT MACULAR DYSTROPHY, SUSCEPTIBILITY TO. Identifiers: Orphanet 247834, MedGen C3150833, MONDO:0013316, OMIM 613587, HP:0030636.

Allele frequency attached by ClinVar (database versions not stated): gnomAD 0.12172 and 0.13114; TOPMed 0.12357; 1000 Genomes Project 30x 0.17114; 1000 Genomes Project 0.17492.
gnomAD v4.1: 91,996 of 591,052 alleles (16%); highest among the groups gnomAD compares: South Asian, 34%; 8,623 homozygotes.

Submissions (2):

Illumina Laboratory Services, Illumina
Classification: Benign for Occult macular dystrophy. Last evaluated: 2018-01-13. Review status: criteria provided, single submitter. Criteria: ICSL Variant Classification Criteria 13 December 2019. Collection method: clinical testing. Allele origin: germline.
Comment: This variant was observed in the ICSL laboratory as part of a predisposition screen in an ostensibly healthy population. It had not been previously curated by ICSL or reported in the Human Gene Mutation Database (HGMD: prior to June 1st, 2018), and was therefore a candidate for classification through an automated scoring system. Utilizing variant allele frequency, disease prevalence and penetrance estimates, and inheritance mode, an automated score was calculated to assess if this variant is too frequent to cause the disease. Based on the score and internal cut-off values, a variant classified as benign is not then subjected to further curation. The score for this variant resulted in a classification of benign for this disease.

Breakthrough Genomics
Classification: Benign. Review status: criteria provided, single submitter. Criteria: ACMG Guidelines, 2015. Collection method: not provided. Allele origin: germline. Inheritance: Autosomal recessive inheritance. Affected: yes.

NM_178857.6(RP1L1):c.*244C>T

Gene: RP1L1 (RP1 like 1). Cytogenetic location: 8p23.1.
Variant type: single nucleotide variant.
Coding change: c.*244C>T on transcript NM_178857.6 (MANE Select); 244 bases downstream of the stop codon, C replaced by T.
Molecular consequence: 3 prime UTR variant.
Genome position (GRCh38, 1-based): chr8:10,606,651, G>A on the plus strand (C>T on the coding strand, the complement: RP1L1 is on the minus strand). VCF-style: chr8-10606651-G-A. GRCh37 (hg19) VCF-style: chr8-10464161-G-A.
Identifiers: ClinVar variation 361195 (VCV000361195.6), dbSNP rs12542071, ClinGen allele CA10626706.
Genomic context (GRCh38, chr8:10,606,651, plus strand): 5'-AGTTCCATCTTTCGGGCTCTGCAGACAAATAAATAGGAGCCGGGCTGACCTCCGATAACC[G>A]GGCAGATCCGCAGACACCCCCTTTCTTCACACTGCGTGTGGGACGGGCCGCAGAGCTCTC-3'